The following is an entry in ClinVar:

NM_001458.5(FLNC):c.6953G>A (p.Arg2318Gln)

Genes: FLNC (filamin C; plus strand), FLNC-AS1 (FLNC antisense RNA 1; minus strand). Cytogenetic location: 7q32.1.
Variant type: single nucleotide variant.
Coding change: c.6953G>A on transcript NM_001458.5 (MANE Select); coding-DNA position 6953, G replaced by A.
Protein change: p.Arg2318Gln; replaces arginine 2318 with glutamine.
Molecular consequence: missense variant.
Genome position (GRCh38, 1-based): chr7:128,854,638, G>A. VCF-style: chr7-128854638-G-A. GRCh37 (hg19) VCF-style: chr7-128494692-G-A.
Other names: c.6854G>A, p.Arg2285Gln (NM_001127487.2); short protein forms R2318Q, R2285Q.
Identifiers: ClinVar variation 658307 (VCV000658307.14), dbSNP rs749235580, ClinGen allele CA4476117.

ClinVar aggregate classification (germline): Conflicting classifications of pathogenicity. Review status: criteria provided, conflicting classifications (1 of 4 stars). 4 submissions from 4 submitters: Uncertain significance (3); Likely benign (1). Last evaluated 2025-10-17.

Conditions:
Cardiovascular phenotype. Identifiers: MedGen CN230736.
Hypertrophic cardiomyopathy 26. Also called: Cardiomyopathy, familial hypertrophic, 26. Identifiers: Orphanet 75249, MedGen C4310749, MONDO:0014883, OMIM 617047.
Distal myopathy with posterior leg and anterior hand involvement. Also called: WILLIAMS DISTAL MYOPATHY. Identifiers: Orphanet 63273, MedGen C3279722, MONDO:0013550, OMIM 614065.
Myofibrillar myopathy 5. Also called: Filaminopathy (type); FILAMINOPATHY, AUTOSOMAL DOMINANT. Identifiers: Orphanet 171445, MedGen C1836050, MONDO:0012289, OMIM 609524.

Allele frequency attached by ClinVar (database versions not stated): TOPMed 0.00002; ExAC 0.00003; gnomAD 0.00001; gnomAD exomes 0.00001.

Submissions (4):

Dasa
Classification: Uncertain significance for Hypertrophic cardiomyopathy 26. Last evaluated: 2025-10-17. Review status: criteria provided, single submitter. Criteria: DASA Assertion Criteria. Collection method: clinical testing. Allele origin: germline.
Comment: NM_001458.5(FLNC):c.6953G>A (p.Arg2318Gln) is a missense variant that results in the substitution of arginine with glutamine. This variant is rare in population databases. Computational prediction algorithms are consistent with a deleterious effect. The currently available literature and clinical evidence are not sufficient to establish a definitive association between this variant and the reported condition. Therefore, this variant is classified as a variant of uncertain significance.

Labcorp Genetics (formerly Invitae), Labcorp
Classification: Likely benign for Distal myopathy with posterior leg and anterior hand involvement; Myofibrillar myopathy 5; Hypertrophic cardiomyopathy 26. Last evaluated: 2025-09-02. Review status: criteria provided, single submitter. Criteria: Invitae Variant Classification Sherloc (09022015). Collection method: clinical testing. Allele origin: germline.

Ambry Genetics
Classification: Uncertain significance for Cardiovascular phenotype. Last evaluated: 2025-03-14. Review status: criteria provided, single submitter. Criteria: Ambry Variant Classification Scheme 2023. Collection method: clinical testing. Allele origin: germline.
Comment: The p.R2318Q variant (also known as c.6953G>A), located in coding exon 41 of the FLNC gene, results from a G to A substitution at nucleotide position 6953. The arginine at codon 2318 is replaced by glutamine, an amino acid with highly similar properties. This amino acid position is highly conserved in available vertebrate species. In addition, this alteration is predicted to be deleterious by in silico analysis. Since supporting evidence is limited at this time, the clinical significance of this alteration remains unclear.

GeneDx
Classification: Uncertain significance. Last evaluated: 2022-08-12. Review status: criteria provided, single submitter. Criteria: GeneDx Variant Classification Process June 2021. Collection method: clinical testing. Allele origin: germline. Affected: yes.
Comment: Identified in a patient with frontotemporal dementia in published literature (Janssens et al., 2015); Not observed at significant frequency in large population cohorts (gnomAD); In silico analysis supports that this missense variant has a deleterious effect on protein structure/function; This variant is associated with the following publications: (PMID: 26555887)